The following is an entry in ClinVar:

NM_170606.3(KMT2C):c.9462T>G (p.Ser3154Arg)

Gene: KMT2C (lysine methyltransferase 2C; minus strand). Cytogenetic location: 7q36.1.
Variant type: single nucleotide variant.
Coding change: c.9462T>G on transcript NM_170606.3 (MANE Select); coding-DNA position 9462, T replaced by G.
Protein change: p.Ser3154Arg; replaces serine 3154 with arginine.
Molecular consequence: missense variant.
Genome position (GRCh38, 1-based): chr7:152,169,241, A>C on the plus strand (T>G on the coding strand, the complement: KMT2C is on the minus strand). VCF-style: chr7-152169241-A-C. GRCh37 (hg19) VCF-style: chr7-151866326-A-C.
Other names: short protein forms S3154R.
Identifiers: ClinVar variation 4294316 (VCV004294316.1).

ClinVar aggregate classification (germline): Uncertain significance (1 of 4 stars; one submission).

Conditions:
Kleefstra syndrome 2 (KLEFS2). Identifiers: MedGen C4540395, MONDO:0054701, OMIM 617768.

Submission:

Clinical Genomic Analysis (GENYSIS) Core, University of North Carolina at Chapel Hill
Classification: Uncertain significance for Kleefstra syndrome 2. Last evaluated: 2025-05-14. Review status: criteria provided, single submitter. Criteria: ACMG Guidelines, 2015. Collection method: research. Allele origin: maternal. Observed: 1 heterozygote. Study: UNC Genetic Determinants of Neurological and Developmental Disorders (GDNDD) Study.
Comment: KMT2C c.9462T>G, p.(Ser3154Arg), is a missense variant in exon 41 of 59 that changes a single amino acid from a serine to an arginine in the encoded protein. This variant is absent from control individuals in the gnomADv4.1 population database and has not been reported in the literature or in ClinVar. However, this variant is not present in any known protein domain or motif and in silico pathogenicity prediction models are conflicting. Given the available evidence, this variant is classified as a variant of uncertain significance.